The following is an entry in ClinVar:

ClinVar aggregate classification (germline): Uncertain significance (1 of 4 stars; one submission).

Conditions:
Alexander disease (ALXDRD). Also called: Alexander's disease. Identifiers: Orphanet 58, MedGen C0270726, MONDO:0008752, OMIM 203450.

Submission:

MVZ Medizinische Genetik Mainz
Classification: Uncertain significance for Alexander disease. Last evaluated: 2024-02-27. Review status: criteria provided, single submitter. Criteria: UK Practice Guidelines For Variant Classification V4 01 2020. Collection method: clinical testing. Allele origin: germline. Inheritance: Autosomal dominant inheritance. Affected: yes. Observed: 1 variant allele.
Comment: ACMG Criteria: PP3_MOD,PM2_SUP

NM_002055.5(GFAP):c.913T>C (p.Ser305Pro)

Gene: GFAP (glial fibrillary acidic protein; minus strand). Cytogenetic location: 17q21.31.
Variant type: single nucleotide variant.
Coding change: c.913T>C on transcript NM_002055.5 (MANE Select); coding-DNA position 913, T replaced by C.
Protein change: p.Ser305Pro; replaces serine 305 with proline.
Molecular consequence: missense variant.
Genome position (GRCh38, 1-based): chr17:44,911,450, A>G on the plus strand (T>C on the coding strand, the complement: GFAP is on the minus strand). VCF-style: chr17-44911450-A-G. GRCh37 (hg19) VCF-style: chr17-42988818-A-G.
Other names: c.913T>C, p.Ser305Pro (NM_001131019.3, NM_001242376.3, NM_001363846.2); short protein forms S305P.
Identifiers: ClinVar variation 3066224 (VCV003066224.1), dbSNP rs2508934437, ClinGen allele CA399844468.